The following is an entry in ClinVar:

NM_058246.4(DNAJB6):c.607A>G (p.Ile203Val)

Gene: DNAJB6 (DnaJ heat shock protein family (Hsp40) member B6; plus strand). Cytogenetic location: 7q36.3.
Variant type: single nucleotide variant.
Coding change: c.607A>G on transcript NM_058246.4 (MANE Select); coding-DNA position 607, A replaced by G.
Protein change: p.Ile203Val; replaces isoleucine 203 with valine.
Molecular consequence: missense variant. On other transcripts: intron variant (1).
Genome position (GRCh38, 1-based): chr7:157,384,995, A>G. VCF-style: chr7-157384995-A-G. GRCh37 (hg19) VCF-style: chr7-157177689-A-G.
Other names: c.607A>G, p.Ile203Val (NM_005494.3); c.346+17512A>G (NM_001363676.1); short protein forms I203V.
Identifiers: ClinVar variation 2956429 (VCV002956429.3), dbSNP rs761335921, ClinGen allele CA4590565.
Genomic context (GRCh38, chr7:157,384,995, plus strand): 5'-AGTGGCATGGGCAACTTCAAATCGATATCAACTTCAACTAAAATGGTTAATGGCAGAAAA[A>G]TCACTACAAAGAGGTACTGTGGTATTCTGCATTTTATATTTTTAGTAAGCAGGCGTAACG-3'
Protein context (NP_490647.1, residues 193-213): TSTKMVNGRK[Ile203Val]TTKRIVENGQ

ClinVar aggregate classification (germline): Uncertain significance (1 of 4 stars; one submission).

Conditions:
Autosomal dominant limb-girdle muscular dystrophy type 1D (DNAJB6) (LGMDD1). Also called: Autosomal dominant limb-girdle muscular dystrophy type 1D; Muscular dystrophy, limb-girdle, autosomal dominant 1; MUSCULAR DYSTROPHY, AUTOSOMAL DOMINANT, WITH RIMMED VACUOLES; MUSCULAR DYSTROPHY, LIMB-GIRDLE, TYPE 1D. Identifiers: Orphanet 34516, MedGen C4721885, MONDO:0021018, OMIM 603511.

Allele frequency attached by ClinVar (database versions not stated): gnomAD exomes below 0.00001; TOPMed below 0.00001; ExAC 0.00001.
gnomAD v4.1: 2 of 1,614,104 alleles (0.00012%); highest among the groups gnomAD compares: African/African-American, 0.0013%; no homozygotes.

Submission:

Labcorp Genetics (formerly Invitae), Labcorp
Classification: Uncertain significance for Autosomal dominant limb-girdle muscular dystrophy type 1D (DNAJB6). Last evaluated: 2023-10-15. Review status: criteria provided, single submitter. Criteria: Invitae Variant Classification Sherloc (09022015). Collection method: clinical testing. Allele origin: germline.
Comment: This sequence change replaces isoleucine, which is neutral and non-polar, with valine, which is neutral and non-polar, at codon 203 of the DNAJB6 protein (p.Ile203Val). This variant is present in population databases (rs761335921, gnomAD 0.007%). This variant has not been reported in the literature in individuals affected with DNAJB6-related conditions. Advanced modeling of protein sequence and biophysical properties (such as structural, functional, and spatial information, amino acid conservation, physicochemical variation, residue mobility, and thermodynamic stability) performed at Invitae indicates that this missense variant is not expected to disrupt DNAJB6 protein function. In summary, the available evidence is currently insufficient to determine the role of this variant in disease. Therefore, it has been classified as a Variant of Uncertain Significance.